The following is an entry in ClinVar:

ClinVar aggregate classification (germline): Conflicting classifications of pathogenicity. Review status: criteria provided, conflicting classifications (1 of 4 stars). 5 submissions from 5 submitters: Uncertain significance (3); Likely benign (2). Last evaluated 2025-11-19.

Conditions:
Hereditary cancer-predisposing syndrome. Also called: Neoplastic Syndromes, Hereditary; Hereditary Cancer Syndrome; Hereditary neoplastic syndrome; Tumor predisposition. Identifiers: Orphanet 140162, MedGen C0027672, MeSH D009386, MONDO:0015356.
Hereditary breast ovarian cancer syndrome. Also called: Hereditary breast and ovarian cancer syndrome (HBOC); Hereditary breast and ovarian cancer syndrome; Breast and ovarian cancer; Hereditary breast and/or ovarian cancer syndrome; Hereditary breast and ovarian cancer; BRCA1- and BRCA2-Associated Hereditary Breast and Ovarian Cancer. Identifiers: Orphanet 145, MedGen C0677776, MeSH D061325, MONDO:0003582. Disease mechanism: loss of function.

Allele frequency attached by ClinVar (database versions not stated): gnomAD 0.00001; ExAC 0.00002.
gnomAD v4.1: 12 of 1,614,048 alleles (0.00074%); highest among the groups gnomAD compares: South Asian, 0.0099%; no homozygotes.

Submissions (5):

Ambry Genetics
Classification: Uncertain significance for Hereditary cancer-predisposing syndrome. Last evaluated: 2025-11-19. Review status: criteria provided, single submitter. Criteria: Ambry Variant Classification Scheme 2023. Collection method: clinical testing. Allele origin: germline.
Comment: The p.V387A variant (also known as c.1160T>C), located in coding exon 9 of the BRCA2 gene, results from a T to C substitution at nucleotide position 1160. The valine at codon 387 is replaced by alanine, an amino acid with similar properties. This amino acid position is not well conserved in available vertebrate species. In addition, this alteration is predicted to be tolerated by in silico analysis. Since supporting evidence is limited at this time, the clinical significance of this alteration remains unclear.

Labcorp Genetics (formerly Invitae), Labcorp
Classification: Uncertain significance for Hereditary breast ovarian cancer syndrome. Last evaluated: 2025-11-10. Review status: criteria provided, single submitter. Criteria: Invitae Variant Classification Sherloc (09022015). Collection method: clinical testing. Allele origin: germline.
Comment: This sequence change replaces valine, which is neutral and non-polar, with alanine, which is neutral and non-polar, at codon 387 of the BRCA2 protein (p.Val387Ala). This variant is present in population databases (rs373945846, gnomAD 0.01%). This variant has not been reported in the literature in individuals affected with BRCA2-related conditions. ClinVar contains an entry for this variant (Variation ID: 462224). Invitae Evidence Modeling of protein sequence and biophysical properties (such as structural, functional, and spatial information, amino acid conservation, physicochemical variation, residue mobility, and thermodynamic stability) indicates that this missense variant is not expected to disrupt BRCA2 protein function with a negative predictive value of 95%. In summary, the available evidence is currently insufficient to determine the role of this variant in disease. Therefore, it has been classified as a Variant of Uncertain Significance.

GeneDx
Classification: Uncertain significance. Last evaluated: 2023-05-11. Review status: criteria provided, single submitter. Criteria: GeneDx Variant Classification Process June 2021. Collection method: clinical testing. Allele origin: germline. Affected: yes.
Comment: Not observed at significant frequency in large population cohorts (gnomAD); In silico analysis supports that this missense variant does not alter protein structure/function; Observed in a patient with breast cancer (Duzkale et al., 2021); This variant is associated with the following publications: (PMID: 31911673, 27767231, 29884841, 32377563, Duzkale_2021)

University of Washington Department of Laboratory Medicine, University of Washington
Classification: Likely benign for Hereditary cancer-predisposing syndrome. Last evaluated: 2023-03-23. Review status: criteria provided, single submitter. Criteria: Dines et al. (Genet Med. 2020). Collection method: curation. Allele origin: germline.
Comment: Missense variant in a coldspot region where missense variants are very unlikely to be pathogenic (PMID:31911673).

BRCA2 exon 10 coldspot. Reclassification based on statistical prior probability.

Color Diagnostics, LLC DBA Color Health
Classification: Likely benign for Hereditary cancer-predisposing syndrome. Last evaluated: 2016-11-03. Review status: criteria provided, single submitter. Criteria: ACMG Guidelines, 2015. Collection method: clinical testing. Allele origin: germline.

NM_000059.4(BRCA2):c.1160T>C (p.Val387Ala)

Gene: BRCA2 (BRCA2 DNA repair associated; plus strand). Cytogenetic location: 13q13.1.
Variant type: single nucleotide variant.
Coding change: c.1160T>C on transcript NM_000059.4 (MANE Select); coding-DNA position 1160, T replaced by C.
Protein change: p.Val387Ala; replaces valine 387 with alanine.
Molecular consequence: missense variant.
Genome position (GRCh38, 1-based): chr13:32,332,638, T>C. VCF-style: chr13-32332638-T-C. GRCh37 (hg19) VCF-style: chr13-32906775-T-C.
Other names: short protein forms V387A.
Identifiers: ClinVar variation 462224 (VCV000462224.19), dbSNP rs373945846, ClinGen allele CA6940494.